The following is an entry in ClinVar:

NM_000075.4(CDK4):c.437_444delinsCC (p.Ile146_Val148delinsThr)

Gene: CDK4 (cyclin dependent kinase 4; minus strand). Cytogenetic location: 12q14.1.
Variant type: Indel.
Coding change: c.437_444delinsCC on transcript NM_000075.4 (MANE Select); coding-DNA positions 437 to 444, TTCTGGTG replaced by CC.
Protein change: p.Ile146_Val148delinsThr.
Molecular consequence: inframe indel.
Genome position (GRCh38, 1-based): chr12:57,751,001-57,751,008, CACCAGAA replaced by GG on the plus strand (TTCTGGTG replaced by CC on the coding strand, the reverse complement: CDK4 is on the minus strand). VCF-style: chr12-57751001-CACCAGAA-GG. GRCh37 (hg19) VCF-style: chr12-58144784-CACCAGAA-GG.
Identifiers: ClinVar variation 3830866 (VCV003830866.1).

ClinVar aggregate classification (germline): Uncertain significance (1 of 4 stars; one submission).

Conditions:
Hereditary cancer-predisposing syndrome. Also called: Hereditary neoplastic syndrome; Neoplastic Syndromes, Hereditary; Tumor predisposition; Hereditary Cancer Syndrome. Identifiers: Orphanet 140162, MedGen C0027672, MeSH D009386, MONDO:0015356.

Submission:

Ambry Genetics
Classification: Uncertain significance for Hereditary cancer-predisposing syndrome. Last evaluated: 2024-12-27. Review status: criteria provided, single submitter. Criteria: Ambry Variant Classification Scheme 2023. Collection method: clinical testing. Allele origin: germline.
Comment: The c.437_444delTTCTGGTGinsCC variant (also known as p.I146_V148delinsT), located in coding exon 3 of the CDK4 gene, results from an in-frame deletion of TTCTGGTG and insertion of CC at nucleotide positions 437 to 444. This results in the in-frame deletion of 3 residues (ILV) and the insertion of a threonine residue at codons 146 to 148. The impacted amino acid positions are highly conserved in available vertebrate species. In addition, this alteration is predicted to be deleterious by in silico analysis (Choi Y et al. PLoS ONE. 2012; 7(10):e46688). Based on the available evidence, the clinical significance of this variant remains unclear.